The following is an entry in ClinVar:

NM_022463.5(NXN):c.403C>G (p.Leu135Val)

Gene: NXN (nucleoredoxin; minus strand). Cytogenetic location: 17p13.3.
Variant type: single nucleotide variant.
Coding change: c.403C>G on transcript NM_022463.5 (MANE Select); coding-DNA position 403, C replaced by G.
Protein change: p.Leu135Val; replaces leucine 135 with valine.
Molecular consequence: missense variant.
Genome position (GRCh38, 1-based): chr17:826,036, G>C on the plus strand (C>G on the coding strand, the complement: NXN is on the minus strand). VCF-style: chr17-826036-G-C. GRCh37 (hg19) VCF-style: chr17-729276-G-C.
Other names: c.403C>G (NM_022463.4); c.79C>G, p.Leu27Val (NM_001205319.1); short protein forms L135V, L27V.
Identifiers: ClinVar variation 1413446 (VCV001413446.8), dbSNP rs199665864, ClinGen allele CA8264225.

ClinVar aggregate classification (germline): Uncertain significance. Review status: criteria provided, multiple submitters, no conflicts (2 of 4 stars). 2 submissions from 2 submitters: Uncertain significance (2). Last evaluated 2025-07-14.

Allele frequency attached by ClinVar (database versions not stated): gnomAD exomes 0.00010; ExAC 0.00012; TOPMed 0.00012; ESP Exome Variant Server 0.00015; gnomAD 0.00018 and 0.00019.
gnomAD v4.1: 196 of 1,613,964 alleles (0.012%); highest among the groups gnomAD compares: Non-Finnish European, 0.015%; no homozygotes.

Submissions (2):

Labcorp Genetics (formerly Invitae), Labcorp
Classification: Uncertain significance. Last evaluated: 2025-07-14. Review status: criteria provided, single submitter. Criteria: Invitae Variant Classification Sherloc (09022015). Collection method: clinical testing. Allele origin: germline.
Comment: This sequence change replaces leucine, which is neutral and non-polar, with valine, which is neutral and non-polar, at codon 135 of the NXN protein (p.Leu135Val). This variant is present in population databases (rs199665864, gnomAD 0.05%). This variant has not been reported in the literature in individuals affected with NXN-related conditions. ClinVar contains an entry for this variant (Variation ID: 1413446). An algorithm developed to predict the effect of missense changes on protein structure and function (PolyPhen-2) suggests that this variant is likely to be disruptive. In summary, the available evidence is currently insufficient to determine the role of this variant in disease. Therefore, it has been classified as a Variant of Uncertain Significance.

Ambry Genetics
Classification: Uncertain significance. Last evaluated: 2025-01-14. Review status: criteria provided, single submitter. Criteria: Ambry Variant Classification Scheme 2023. Collection method: clinical testing. Allele origin: germline.